The following is an entry in ClinVar:

NM_006005.3(WFS1):c.1327A>G (p.Ser443Gly)

Gene: WFS1 (wolframin ER transmembrane glycoprotein; plus strand). Cytogenetic location: 4p16.1.
Variant type: single nucleotide variant.
Coding change: c.1327A>G on transcript NM_006005.3 (MANE Select); coding-DNA position 1327, A replaced by G.
Protein change: p.Ser443Gly; replaces serine 443 with glycine.
Molecular consequence: missense variant.
Genome position (GRCh38, 1-based): chr4:6,301,122, A>G. VCF-style: chr4-6301122-A-G. GRCh37 (hg19) VCF-style: chr4-6302849-A-G.
Other names: c.1327A>G, p.Ser443Gly (NM_001145853.1); short protein forms S443G.
Identifiers: ClinVar variation 2061217 (VCV002061217.4), dbSNP rs2474193354, ClinGen allele CA356174683.

ClinVar aggregate classification (germline): Uncertain significance (1 of 4 stars; one submission).

Submission:

Labcorp Genetics (formerly Invitae), Labcorp
Classification: Uncertain significance. Last evaluated: 2022-11-22. Review status: criteria provided, single submitter. Criteria: Invitae Variant Classification Sherloc (09022015). Collection method: clinical testing. Allele origin: germline.
Comment: In summary, the available evidence is currently insufficient to determine the role of this variant in disease. Therefore, it has been classified as a Variant of Uncertain Significance. Advanced modeling of protein sequence and biophysical properties (such as structural, functional, and spatial information, amino acid conservation, physicochemical variation, residue mobility, and thermodynamic stability) performed at Invitae indicates that this missense variant is not expected to disrupt WFS1 protein function. This variant has not been reported in the literature in individuals affected with WFS1-related conditions. This variant is not present in population databases (gnomAD no frequency). This sequence change replaces serine, which is neutral and polar, with glycine, which is neutral and non-polar, at codon 443 of the WFS1 protein (p.Ser443Gly).